The following is an entry in ClinVar:

ClinVar aggregate classification (germline): Pathogenic (0 of 4 stars; one submission).

Conditions:
Fanconi anemia complementation group A (FANCA). Also called: Fanconi anemia, group A; FANCA-Related Fanconi Anemia. Identifiers: Orphanet 84, MedGen C3469521, MONDO:0009215, OMIM 227650.

Submission:

Leiden Open Variation Database
Classification: Pathogenic for Fanconi anemia complementation group A. Last evaluated: 2020-02-28. Review status: no assertion criteria provided. Collection method: curation. Allele origin: germline. Affected: yes.
Comment: Curator: Arleen D. Auerbach. Submitter to LOVD: Arleen D. Auerbach.

Literature cited by the submitters: PubMed 15523645.

NM_000135.4(FANCA):c.505G>T (p.Glu169Ter)

Gene: FANCA (FA complementation group A; minus strand). Cytogenetic location: 16q24.3.
Variant type: single nucleotide variant.
Coding change: c.505G>T on transcript NM_000135.4 (MANE Select); coding-DNA position 505, G replaced by T.
Protein change: p.Glu169Ter; replaces glutamic acid 169 with a stop codon.
Molecular consequence: nonsense. On other transcripts: intron variant (1).
Genome position (GRCh38, 1-based): chr16:89,810,724, C>A on the plus strand (G>T on the coding strand, the complement: FANCA is on the minus strand). VCF-style: chr16-89810724-C-A. GRCh37 (hg19) VCF-style: chr16-89877132-C-A.
Other names: c.505G>T, p.Glu169Ter (NM_001018112.3, NM_001286167.3); c.426+205G>T (NM_001351830.2); short protein forms E169*.
Identifiers: ClinVar variation 974192 (VCV000974192.1), dbSNP rs372691338, ClinGen allele CA397480675.
Genomic context (GRCh38, chr16:89,810,724, plus strand): 5'-TGCCTGGAACACTGGAGAGTCAGATTTGCAATCTCAAATTTACCTGTATTTTCCATAATT[C>A]TTGACAGAAGGAAAGACGGGAGAACATACTGTGTGCCAATAAATACTGAGCAAACTCTAA-3'